The following is an entry in ClinVar:

ClinVar aggregate classification (germline): Conflicting classifications of pathogenicity. Review status: criteria provided, conflicting classifications (1 of 4 stars). 2 submissions from 2 submitters: Uncertain significance (1); Likely benign (1). Last evaluated 2024-09-20.

Conditions:
ACCES syndrome (ACCES). Also called: APLASIA CUTIS CONGENITA WITH ECTRODACTYLY SKELETAL SYNDROME. Identifiers: MedGen C5677019, MONDO:0859262, OMIM 619959.

Submissions (2):

3billion
Classification: Likely benign for ACCES syndrome. Last evaluated: 2024-09-20. Review status: criteria provided, single submitter. Criteria: ACMG Guidelines, 2015. Collection method: clinical testing. Allele origin: germline. Affected: no.
Comment: The variant was identified in at least one patient who was diagnosed with a different variant in another gene and showed no symptoms related to the gene containing the variant in question.

GeneDx
Classification: Uncertain significance. Last evaluated: 2023-05-05. Review status: criteria provided, single submitter. Criteria: GeneDx Variant Classification Process June 2021. Collection method: clinical testing. Allele origin: germline. Affected: yes.
Comment: Not observed at significant frequency in large population cohorts (gnomAD); In silico analysis supports that this missense variant has a deleterious effect on protein structure/function; Has not been previously published as pathogenic or benign to our knowledge

NM_005499.3(UBA2):c.920T>C (p.Leu307Pro)

Gene: UBA2 (ubiquitin like modifier activating enzyme 2; plus strand). Cytogenetic location: 19q13.11.
Variant type: single nucleotide variant.
Coding change: c.920T>C on transcript NM_005499.3 (MANE Select); coding-DNA position 920, T replaced by C.
Protein change: p.Leu307Pro; replaces leucine 307 with proline.
Molecular consequence: missense variant.
Genome position (GRCh38, 1-based): chr19:34,452,029, T>C. VCF-style: chr19-34452029-T-C. GRCh37 (hg19) VCF-style: chr19-34942934-T-C.
Other names: c.632T>C, p.Leu211Pro (NM_001411139.1); short protein forms L211P, L307P.
Identifiers: ClinVar variation 2662966 (VCV002662966.2), dbSNP rs1043062, ClinGen allele CA405255940.
Genomic context (GRCh38, chr19:34,452,029, plus strand): 5'-TTTTTTCTTTAGGAGAAGAAACGAATGCATCAGATCAACAGAATGAACCCCAGTTAGGCC[T>C]GAAAGACCAGCAGGTTCTAGATGTAAAGAGCTATGCACGTCTTTTTTCAAAGAGCATCGA-3'
Protein context (NP_005490.1, residues 297-317): SDQQNEPQLG[Leu307Pro]KDQQVLDVKS